The following is an entry in ClinVar:

ClinVar aggregate classification (germline): Pathogenic/Likely pathogenic. Review status: criteria provided, multiple submitters, no conflicts (2 of 4 stars). 5 submissions from 5 submitters: Pathogenic (4); Likely pathogenic (1). Last evaluated 2024-12-16.

Conditions:
Severe early-childhood-onset retinal dystrophy (STGD1). Also called: MACULAR DYSTROPHY WITH FLECKS, TYPE 1; STGD; Stargardt macular dystrophy; Juvenile onset macular degeneration; Stargardt disease 1. Identifiers: Orphanet 364055, Orphanet 827, MedGen C1855465, MeSH D000080362, MONDO:0009549, OMIM 248200.
ABCA4-related disorder. Also called: ABCA4-related condition; ABCA4-related disorders. Identifiers: MedGen CN239167.
Cone dystrophy. Identifiers: Orphanet 1871, MedGen C0730290, MONDO:0000455.

Allele frequency attached by ClinVar (database versions not stated): TOPMed below 0.00001.

Submissions (5):

Labcorp Genetics (formerly Invitae), Labcorp
Classification: Pathogenic. Last evaluated: 2024-12-16. Review status: criteria provided, single submitter. Criteria: Invitae Variant Classification Sherloc (09022015). Collection method: clinical testing. Allele origin: germline.
Comment: This sequence change creates a premature translational stop signal (p.Trp1724*) in the ABCA4 gene. It is expected to result in an absent or disrupted protein product. Loss-of-function variants in ABCA4 are known to be pathogenic (PMID: 10958761, 24938718, 25312043, 26780318). This variant is not present in population databases (gnomAD no frequency). This premature translational stop signal has been observed in individual(s) with retinal dystrophies (PMID: 26780318, 29555955, 29925512). ClinVar contains an entry for this variant (Variation ID: 634547). For these reasons, this variant has been classified as Pathogenic.

Lab De Baere, Eye and Developmental Genetics Lab, Ghent University
Classification: Pathogenic for Cone dystrophy. Last evaluated: 2024-10-01. Review status: criteria provided, single submitter. Criteria: ACMG Guidelines, 2015. Collection method: research. Allele origin: inherited. Affected: yes. Observed: 1 variant allele.
Comment: ACMG/AMP guidelines: PM2, PVS1, PP1, PM3_2

Institute of Medical Molecular Genetics, University of Zurich
Classification: Likely pathogenic for Severe early-childhood-onset retinal dystrophy. Last evaluated: 2021-01-30. Review status: criteria provided, single submitter. Criteria: ACMG Guidelines, 2015. Collection method: clinical testing. Allele origin: unknown. Affected: yes.

Blueprint Genetics
Classification: Pathogenic for ABCA4-related disorders. Last evaluated: 2020-12-01. Review status: criteria provided, single submitter. Criteria: ACMG Guidelines, 2015. Collection method: clinical testing. Allele origin: germline. Affected: yes. Observed: 2 variant alleles.

Genomic Research Center, Shahid Beheshti University of Medical Sciences
Classification: Pathogenic for ABCA4-Related Disorders. Last evaluated: 2019-01-01. Review status: criteria provided, single submitter. Criteria: ACMG Guidelines, 2015. Collection method: clinical testing. Allele origin: unknown. Affected: yes. Observed: 1 variant allele.

Literature cited by the submitters: PubMed 10958761 (cited by Labcorp Genetics (formerly Invitae), Labcorp); PubMed 24938718 (cited by Labcorp Genetics (formerly Invitae), Labcorp); PubMed 25312043 (cited by Labcorp Genetics (formerly Invitae), Labcorp); PubMed 26780318 (cited by Labcorp Genetics (formerly Invitae), Labcorp); PubMed 29555955 (cited by Labcorp Genetics (formerly Invitae), Labcorp); PubMed 29925512 (cited by Labcorp Genetics (formerly Invitae), Labcorp).

NM_000350.3(ABCA4):c.5172G>A (p.Trp1724Ter)

Gene: ABCA4 (ATP binding cassette subfamily A member 4; minus strand). Cytogenetic location: 1p22.1.
Variant type: single nucleotide variant.
Coding change: c.5172G>A on transcript NM_000350.3 (MANE Select); coding-DNA position 5172, G replaced by A.
Protein change: p.Trp1724Ter; replaces tryptophan 1724 with a stop codon.
Molecular consequence: nonsense.
Genome position (GRCh38, 1-based): chr1:94,019,606, C>T on the plus strand (G>A on the coding strand, the complement: ABCA4 is on the minus strand). VCF-style: chr1-94019606-C-T. GRCh37 (hg19) VCF-style: chr1-94485162-C-T.
Other names: c.4950G>A, p.Trp1650Ter (NM_001425324.1); short protein forms W1724*, W1650*.
Identifiers: ClinVar variation 634547 (VCV000634547.17), dbSNP rs1557767754, ClinGen allele CA341282557.
Genomic context (GRCh38, chr1:94,019,606, plus strand): 5'-ACGGAGGGGAGGGAGGCGCTGTAAACTGACACTTACGATGTCCCAGAGGAAGTTGGTCAC[C>T]CAGTAGGTGGTGGGGCTCACTCCACTGATAAACTGGAGGTGCTTGGATTTGTTCACCCGC-3'